The following is an entry in ClinVar:

ClinVar aggregate classification (germline): Benign. Review status: criteria provided, multiple submitters, no conflicts (2 of 4 stars). 10 submissions from 10 submitters: Benign (8). 2 of the submissions do not count toward it. Last evaluated 2026-02-04.

Conditions:
Hereditary breast ovarian cancer syndrome. Also called: Hereditary breast and ovarian cancer; Hereditary breast and ovarian cancer syndrome; Hereditary breast and/or ovarian cancer syndrome; BRCA1- and BRCA2-Associated Hereditary Breast and Ovarian Cancer; Hereditary breast and ovarian cancer syndrome (HBOC); Breast and ovarian cancer. Identifiers: Orphanet 145, MedGen C0677776, MeSH D061325, MONDO:0003582. Disease mechanism: loss of function.
Fanconi anemia (FA). Also called: Fanconi's anemia. Identifiers: Orphanet 84, MedGen C0015625, MeSH D005199, MONDO:0019391.
Fanconi anemia complementation group D2. Also called: FANCD2-Related Fanconi Anemia; FANCONI PANCYTOPENIA, TYPE 4; FANCONI ANEMIA, COMPLEMENTATION GROUP D. Identifiers: Orphanet 84, MedGen C3160738, MONDO:0009214, OMIM 227646.

Allele frequency attached by ClinVar (database versions not stated): gnomAD exomes 0.00272 and 0.00737; ExAC 0.00901; gnomAD 0.02981 and 0.03203; 1000 Genomes Project 0.03155; 1000 Genomes Project 30x 0.03389; TOPMed 0.03426; ESP Exome Variant Server 0.03675.
gnomAD v4.1: 8,723 of 1,604,542 alleles (0.54%); highest among the groups gnomAD compares: African/African-American, 10%; 429 homozygotes.

Submissions (10):

Labcorp Genetics (formerly Invitae), Labcorp
Classification: Benign for Fanconi anemia. Last evaluated: 2026-02-04. Review status: criteria provided, single submitter. Criteria: Invitae Variant Classification Sherloc (09022015). Collection method: clinical testing. Allele origin: germline.

ARUP Laboratories, Molecular Genetics and Genomics, ARUP Laboratories
Classification: Benign for Fanconi anemia complementation group D2. Last evaluated: 2025-01-13. Review status: criteria provided, single submitter. Criteria: ARUP Molecular Germline Variant Investigation Process 2024. Collection method: clinical testing. Allele origin: germline.

KCCC/NGS Laboratory, Kuwait Cancer Control Center
Classification: Benign for Fanconi anemia complementation group D2. Last evaluated: 2023-07-07. Review status: criteria provided, single submitter. Criteria: ACMG Guidelines, 2015. Collection method: clinical testing. Allele origin: germline. Affected: yes.

National Health Laboratory Service, Universitas Academic Hospital and University of the Free State
Classification: Benign for Hereditary breast ovarian cancer syndrome. Last evaluated: 2022-04-19. Review status: criteria provided, single submitter. Criteria: ACMG Guidelines, 2015. Collection method: clinical testing. Allele origin: germline. Affected: yes. Observed: 54 variant alleles.

GeneDx
Classification: Benign. Last evaluated: 2019-04-03. Review status: criteria provided, single submitter. Criteria: GeneDx Variant Classification Process June 2021. Collection method: clinical testing. Allele origin: germline. Affected: yes.

Illumina Laboratory Services, Illumina
Classification: Benign for Fanconi anemia complementation group D2. Last evaluated: 2018-01-12. Review status: criteria provided, single submitter. Criteria: ICSL Variant Classification Criteria 13 December 2019. Collection method: clinical testing. Allele origin: germline.
Comment: This variant was observed in the ICSL laboratory as part of a predisposition screen in an ostensibly healthy population. It had not been previously curated by ICSL or reported in the Human Gene Mutation Database (HGMD: prior to June 1st, 2018), and was therefore a candidate for classification through an automated scoring system. Utilizing variant allele frequency, disease prevalence and penetrance estimates, and inheritance mode, an automated score was calculated to assess if this variant is too frequent to cause the disease. Based on the score and internal cut-off values, a variant classified as benign is not then subjected to further curation. The score for this variant resulted in a classification of benign for this disease.

Breakthrough Genomics
Classification: Benign. Review status: criteria provided, single submitter. Criteria: ACMG Guidelines, 2015. Collection method: not provided. Allele origin: germline. Inheritance: Autosomal recessive inheritance. Affected: yes.

PreventionGenetics, part of Exact Sciences
Classification: Benign. Review status: criteria provided, single submitter. Criteria: ACMG Guidelines, 2015. Collection method: clinical testing. Allele origin: germline.

Genome Diagnostics Laboratory, Amsterdam University Medical Center
Classification: Benign. Review status: no assertion criteria provided. Collection method: clinical testing. Allele origin: germline. Affected: yes. Study: VKGL Data-share Consensus. Not counted in ClinVar's aggregate classification.

Laboratory of Diagnostic Genome Analysis, Leiden University Medical Center (LUMC)
Classification: Likely benign. Review status: no assertion criteria provided. Collection method: clinical testing. Allele origin: germline. Affected: yes. Study: VKGL Data-share Consensus. Not counted in ClinVar's aggregate classification.

NM_001018115.3(FANCD2):c.2712C>T (p.Asn904=)

Genes: FANCD2 (FA complementation group D2; plus strand), LOC107303338 (3p25 FANCD2 Alu-mediated recombination region; plus strand). Cytogenetic location: 3p25.3.
Variant type: single nucleotide variant.
Coding change: c.2712C>T on transcript NM_001018115.3 (MANE Select); coding-DNA position 2712, C replaced by T.
Protein change: p.Asn904=; no amino-acid change (asparagine 904 retained).
Molecular consequence: synonymous variant.
Genome position (GRCh38, 1-based): chr3:10,073,359, C>T. VCF-style: chr3-10073359-C-T. GRCh37 (hg19) VCF-style: chr3-10115043-C-T.
Other names: NP_001018125.1:p.Asn904=; c.2712C>T (NM_033084.4); c.2712C>T, p.Asn904= (NM_001319984.2, NM_001374254.1, NM_033084.6); c.2601C>T, p.Asn867= (NM_001374253.1).
Identifiers: ClinVar variation 257075 (VCV000257075.30), dbSNP rs35594075, ClinGen allele CA2250153.